The following is an entry in ClinVar:

NM_001348800.3(ZBTB20):c.98T>C (p.Leu33Pro)

Genes: ZBTB20-AS1 (ZBTB20 antisense RNA 1; plus strand), ZBTB20 (zinc finger and BTB domain containing 20; minus strand). Cytogenetic location: 3q13.31.
Variant type: single nucleotide variant.
Coding change: c.98T>C on transcript NM_001348800.3 (MANE Select); coding-DNA position 98, T replaced by C.
Protein change: p.Leu33Pro; replaces leucine 33 with proline.
Molecular consequence: missense variant. On other transcripts: 5 prime UTR variant (12), non-coding transcript variant (1).
Genome position (GRCh38, 1-based): chr3:114,380,318, A>G on the plus strand (T>C on the coding strand, the complement: ZBTB20 is on the minus strand). VCF-style: chr3-114380318-A-G. GRCh37 (hg19) VCF-style: chr3-114099165-A-G.
Other names: c.98T>C, p.Leu33Pro (NM_001164342.2, NM_001348803.3, NM_001393393.1 and 1 more transcripts); c.-122T>C (NM_001164343.2, NM_001164344.4, NM_001164345.4 and 9 more transcripts); short protein forms L33P.
Identifiers: ClinVar variation 2981650 (VCV002981650.3), dbSNP rs1477912274, ClinGen allele CA354021633.

ClinVar aggregate classification (germline): Uncertain significance (1 of 4 stars; one submission).

Allele frequency attached by ClinVar (database versions not stated): gnomAD exomes below 0.00001.
gnomAD v4.1: 2 of 1,537,196 alleles (0.00013%); highest among the groups gnomAD compares: Admixed American, 0.002%; no homozygotes.

Submission:

Labcorp Genetics (formerly Invitae), Labcorp
Classification: Uncertain significance. Last evaluated: 2023-05-25. Review status: criteria provided, single submitter. Criteria: Invitae Variant Classification Sherloc (09022015). Collection method: clinical testing. Allele origin: germline.
Comment: In summary, the available evidence is currently insufficient to determine the role of this variant in disease. Therefore, it has been classified as a Variant of Uncertain Significance. Advanced modeling of protein sequence and biophysical properties (such as structural, functional, and spatial information, amino acid conservation, physicochemical variation, residue mobility, and thermodynamic stability) has been performed at Invitae for this missense variant, however the output from this modeling did not meet the statistical confidence thresholds required to predict the impact of this variant on ZBTB20 protein function. This variant has not been reported in the literature in individuals affected with ZBTB20-related conditions. This variant is present in population databases (no rsID available, gnomAD 0.004%). This sequence change replaces leucine, which is neutral and non-polar, with proline, which is neutral and non-polar, at codon 33 of the ZBTB20 protein (p.Leu33Pro).